The following is an entry in ClinVar:

ClinVar aggregate classification (germline): Likely benign (0 of 4 stars; one submission).

Conditions:
TNS1-related disorder. Also called: TNS1-related condition.

Allele frequency attached by ClinVar (database versions not stated): 1000 Genomes Project 0.00180; 1000 Genomes Project 30x 0.00219; ESP Exome Variant Server 0.00392.
gnomAD v4.1: 6,485 of 1,614,024 alleles (0.4%); highest among the groups gnomAD compares: Middle Eastern, 3.7%; 31 homozygotes.

Submission:

PreventionGenetics, part of Exact Sciences
Classification: Likely benign for TNS1-related condition. Last evaluated: 2019-03-01. Review status: no assertion criteria provided. Collection method: clinical testing. Allele origin: germline.
Comment: This variant is classified as likely benign based on ACMG/AMP sequence variant interpretation guidelines (Richards et al. 2015 PMID: 25741868, with internal and published modifications).

NM_001387777.1(TNS1):c.*9C>T

Gene: TNS1 (tensin 1; minus strand). Cytogenetic location: 2q35.
Variant type: single nucleotide variant.
Coding change: c.*9C>T on transcript NM_001387777.1 (MANE Select); 9 bases downstream of the stop codon, C replaced by T.
Molecular consequence: 3 prime UTR variant.
Genome position (GRCh38, 1-based): chr2:217,804,450, G>A on the plus strand (C>T on the coding strand, the complement: TNS1 is on the minus strand). VCF-style: chr2-217804450-G-A. GRCh37 (hg19) VCF-style: chr2-218669173-G-A.
Other names: c.*9C>T (NM_001308022.2, NM_001308023.2, NM_022648.7).
Identifiers: ClinVar variation 3041622 (VCV003041622.2), dbSNP rs182851722, ClinGen allele CA2099246.